The following is an entry in ClinVar:

ClinVar aggregate classification (germline): Uncertain significance (1 of 4 stars; one submission).

Allele frequency attached by ClinVar (database versions not stated): TOPMed below 0.00001; gnomAD 0.00001.

Submission:

Labcorp Genetics (formerly Invitae), Labcorp
Classification: Uncertain significance. Last evaluated: 2021-06-24. Review status: criteria provided, single submitter. Criteria: Invitae Variant Classification Sherloc (09022015). Collection method: clinical testing. Allele origin: germline.
Comment: In summary, the available evidence is currently insufficient to determine the role of this variant in disease. Therefore, it has been classified as a Variant of Uncertain Significance. Algorithms developed to predict the effect of sequence changes on RNA splicing suggest that this variant may create or strengthen a splice site, but this prediction has not been confirmed by published transcriptional studies. Algorithms developed to predict the effect of missense changes on protein structure and function are either unavailable or do not agree on the potential impact of this missense change (SIFT: "Deleterious"; PolyPhen-2: "Benign"; Align-GVGD: "Class C15"). This variant has not been reported in the literature in individuals with HACE1-related conditions. This variant is not present in population databases (ExAC no frequency). This sequence change replaces histidine with glutamine at codon 587 of the HACE1 protein (p.His587Gln). The histidine residue is highly conserved and there is a small physicochemical difference between histidine and glutamine.

NM_020771.4(HACE1):c.1761T>A (p.His587Gln)

Gene: HACE1 (HECT domain and ankyrin repeat containing E3 ubiquitin protein ligase 1; minus strand). Cytogenetic location: 6q16.3.
Variant type: single nucleotide variant.
Coding change: c.1761T>A on transcript NM_020771.4 (MANE Select); coding-DNA position 1761, T replaced by A.
Protein change: p.His587Gln; replaces histidine 587 with glutamine.
Molecular consequence: missense variant. On other transcripts: non-coding transcript variant (7).
Genome position (GRCh38, 1-based): chr6:104,777,028, A>T on the plus strand (T>A on the coding strand, the complement: HACE1 is on the minus strand). VCF-style: chr6-104777028-A-T. GRCh37 (hg19) VCF-style: chr6-105224903-A-T.
Other names: c.1629T>A, p.His543Gln (NM_001321080.2); c.1659T>A, p.His553Gln (NM_001321083.2); c.1257T>A, p.His419Gln (NM_001321084.2, NM_001350557.2, NM_001350558.2); c.1527T>A, p.His509Gln (NM_001350554.2); c.1470T>A, p.His490Gln (NM_001350555.2); c.1275T>A, p.His425Gln (NM_001350556.2); c.1179T>A, p.His393Gln (NM_001350559.2); c.978T>A, p.His326Gln (NM_001350560.2); short protein forms H326Q, H393Q, H490Q, H587Q, H509Q, H553Q, H419Q, H425Q.
Identifiers: ClinVar variation 1463778 (VCV001463778.8), dbSNP rs1370538907, ClinGen allele CA365134591.